The following is an entry in ClinVar:

ClinVar aggregate classification (germline): Uncertain significance (1 of 4 stars; one submission).

Conditions:
TSHZ1-related disorder. Also called: TSHZ1-related condition.

gnomAD v4.1: 3 of 1,614,064 alleles (0.00019%); highest among the groups gnomAD compares: Non-Finnish European, 0.00025%; no homozygotes.

Submission:

PreventionGenetics, part of Exact Sciences
Classification: Uncertain significance for TSHZ1-related condition. Last evaluated: 2026-08-14. Review status: criteria provided, single submitter. Criteria: ACMG Guidelines, 2015. Collection method: clinical testing. Allele origin: germline.
Comment: The TSHZ1 c.1594C>T variant is predicted to result in the amino acid substitution p.Pro532Ser. To our knowledge, this variant has not been reported in the literature. This variant is reported in 0.00088% of alleles in individuals of European (Non-Finnish) descent in gnomAD. At this time, the clinical significance of this variant is uncertain due to the absence of conclusive functional and genetic evidence.

NM_001308210.2(TSHZ1):c.1729C>T (p.Pro577Ser)

Gene: TSHZ1 (teashirt zinc finger homeobox 1; plus strand). Cytogenetic location: 18q22.3.
Variant type: single nucleotide variant.
Coding change: c.1729C>T on transcript NM_001308210.2 (MANE Select); coding-DNA position 1729, C replaced by T.
Protein change: p.Pro577Ser; replaces proline 577 with serine.
Molecular consequence: missense variant.
Genome position (GRCh38, 1-based): chr18:75,287,136, C>T. VCF-style: chr18-75287136-C-T. GRCh37 (hg19) VCF-style: chr18-72999091-C-T.
Other names: c.1594C>T, p.Pro532Ser (NM_005786.6); short protein forms P577S, P532S.
Identifiers: ClinVar variation 4985012 (VCV004985012.1).